The following is an entry in ClinVar:

ClinVar aggregate classification (germline): Uncertain significance (1 of 4 stars; one submission).

Allele frequency attached by ClinVar (database versions not stated): ExAC 0.00001; gnomAD exomes 0.00001 and 0.00005; TOPMed 0.00001; gnomAD 0.00002; ESP Exome Variant Server 0.00008.
gnomAD v4.1: 82 of 1,612,774 alleles (0.0051%); highest among the groups gnomAD compares: Non-Finnish European, 0.0064%; no homozygotes.

Submission:

GeneDx
Classification: Uncertain significance. Last evaluated: 2017-11-02. Review status: criteria provided, single submitter. Criteria: GeneDx Variant Classification (06012015). Collection method: clinical testing. Allele origin: germline. Affected: yes.
Comment: The P1687L variant in the DYNC2H1 gene has not been reported previously as a pathogenic variant, nor as a benign variant, to our knowledge. The P1687L variant is observed in 3/110970 (0.003%) alleles from individuals of non-Finnish European background, in large population cohorts (Lek et al., 2016). The P1687L variant is a semi-conservative amino acid substitution, which may impact secondary protein structure as these residues differ in some properties. This substitution occurs at a position that is conserved across species. In silico analysis predicts this variant is probably damaging to the protein structure/function. We interpret P1687L as a variant of uncertain significance.

NM_001377.3(DYNC2H1):c.5060C>T (p.Pro1687Leu)

Gene: DYNC2H1 (dynein cytoplasmic 2 heavy chain 1; plus strand). Cytogenetic location: 11q22.3.
Variant type: single nucleotide variant.
Coding change: c.5060C>T on transcript NM_001377.3 (MANE Select); coding-DNA position 5060, C replaced by T.
Protein change: p.Pro1687Leu; replaces proline 1687 with leucine.
Molecular consequence: missense variant.
Genome position (GRCh38, 1-based): chr11:103,170,199, C>T. VCF-style: chr11-103170199-C-T. GRCh37 (hg19) VCF-style: chr11-103040928-C-T.
Other names: c.5060C>T, p.Pro1687Leu (NM_001080463.2); short protein forms P1687L.
Identifiers: ClinVar variation 452961 (VCV000452961.2), dbSNP rs376385873, ClinGen allele CA6253686.